The following is an entry in ClinVar:

NM_000426.4(LAMA2):c.8681A>G (p.Tyr2894Cys)

Gene: LAMA2 (laminin subunit alpha 2; plus strand). Cytogenetic location: 6q22.33.
Variant type: single nucleotide variant.
Coding change: c.8681A>G on transcript NM_000426.4 (MANE Select); coding-DNA position 8681, A replaced by G.
Protein change: p.Tyr2894Cys; replaces tyrosine 2894 with cysteine.
Molecular consequence: missense variant.
Genome position (GRCh38, 1-based): chr6:129,505,333, A>G. VCF-style: chr6-129505333-A-G. GRCh37 (hg19) VCF-style: chr6-129826478-A-G.
Other names: c.8669A>G, p.Tyr2890Cys (NM_001079823.2); short protein forms Y2890C, Y2894C.
Identifiers: ClinVar variation 2153537 (VCV002153537.2), dbSNP rs2533550494, ClinGen allele CA365635009.

ClinVar aggregate classification (germline): Uncertain significance. Review status: criteria provided, multiple submitters, no conflicts (2 of 4 stars). 2 submissions from 2 submitters: Uncertain significance (2). Last evaluated 2025-04-20.

Conditions:
LAMA2-related muscular dystrophy (LAMA2-RD). Also called: Laminin alpha 2-related dystrophy. Identifiers: MedGen C5679788, MONDO:0100228.
Inborn genetic diseases. Identifiers: MedGen C0950123, MeSH D030342.

gnomAD v4.1: 4 of 1,613,744 alleles (0.00025%); no homozygotes.

Submissions (2):

Ambry Genetics
Classification: Uncertain significance for Inborn genetic diseases. Last evaluated: 2025-04-20. Review status: criteria provided, single submitter. Criteria: Ambry Variant Classification Scheme 2023. Collection method: clinical testing. Allele origin: germline.

Labcorp Genetics (formerly Invitae), Labcorp
Classification: Uncertain significance for LAMA2-related muscular dystrophy. Last evaluated: 2022-02-25. Review status: criteria provided, single submitter. Criteria: Invitae Variant Classification Sherloc (09022015). Collection method: clinical testing. Allele origin: germline.
Comment: This sequence change replaces tyrosine, which is neutral and polar, with cysteine, which is neutral and slightly polar, at codon 2894 of the LAMA2 protein (p.Tyr2894Cys). This variant is not present in population databases (gnomAD no frequency). This variant has not been reported in the literature in individuals affected with LAMA2-related conditions. Algorithms developed to predict the effect of missense changes on protein structure and function are either unavailable or do not agree on the potential impact of this missense change (SIFT: "Deleterious"; PolyPhen-2: "Probably Damaging"; Align-GVGD: "Class C0"). In summary, the available evidence is currently insufficient to determine the role of this variant in disease. Therefore, it has been classified as a Variant of Uncertain Significance.